The following is an entry in ClinVar:

NM_000369.5(TSHR):c.1215C>A (p.Phe405Leu)

Genes: TSHR (thyroid stimulating hormone receptor; plus strand), TSHR-AS1 (TSHR antisense RNA 1; minus strand). Cytogenetic location: 14q31.1.
Variant type: single nucleotide variant.
Coding change: c.1215C>A on transcript NM_000369.5 (MANE Select); coding-DNA position 1215, C replaced by A.
Protein change: p.Phe405Leu; replaces phenylalanine 405 with leucine.
Molecular consequence: missense variant.
Genome position (GRCh38, 1-based): chr14:81,143,273, C>A. VCF-style: chr14-81143273-C-A. GRCh37 (hg19) VCF-style: chr14-81609617-C-A.
Other names: short protein forms F405L.
Identifiers: ClinVar variation 3381501 (VCV003381501.1).

ClinVar aggregate classification (germline): Uncertain significance (1 of 4 stars; one submission).

Submission:

GeneDx
Classification: Uncertain significance. Last evaluated: 2024-05-14. Review status: criteria provided, single submitter. Criteria: GeneDx Variant Classification Process June 2021. Collection method: clinical testing. Allele origin: germline. Affected: yes.
Comment: Not observed at significant frequency in large population cohorts (gnomAD); In silico analysis supports that this missense variant has a deleterious effect on protein structure/function; Has not been previously published as pathogenic or benign to our knowledge